The following is an entry in ClinVar:

NM_001166114.2(PNPLA6):c.1986T>A (p.Asn662Lys)

Gene: PNPLA6 (patatin like domain 6, lysophospholipase; plus strand). Cytogenetic location: 19p13.2.
Variant type: single nucleotide variant.
Coding change: c.1986T>A on transcript NM_001166114.2 (MANE Select); coding-DNA position 1986, T replaced by A.
Protein change: p.Asn662Lys; replaces asparagine 662 with lysine.
Molecular consequence: missense variant.
Genome position (GRCh38, 1-based): chr19:7,550,556, T>A. VCF-style: chr19-7550556-T-A. GRCh37 (hg19) VCF-style: chr19-7615442-T-A.
Other names: c.2013T>A, p.Asn671Lys (NM_001166111.2); c.1791T>A, p.Asn597Lys (NM_001166112.2); c.1869T>A, p.Asn623Lys (NM_001166113.1, NM_006702.5); short protein forms N623K, N662K, N671K, N597K.
Identifiers: ClinVar variation 566641 (VCV000566641.6), dbSNP rs1568416066, ClinGen allele CA403123395.

ClinVar aggregate classification (germline): Uncertain significance (1 of 4 stars; one submission).

Conditions:
Hereditary spastic paraplegia 39 (SPG39). Also called: SPASTIC PARAPLEGIA 39, AUTOSOMAL RECESSIVE; Spastic Paraplegia Type 39 (SPG39). Identifiers: Orphanet 139480, MedGen C2677586, MONDO:0012787, OMIM 612020.

Submission:

Labcorp Genetics (formerly Invitae), Labcorp
Classification: Uncertain significance for Hereditary spastic paraplegia 39. Last evaluated: 2021-09-01. Review status: criteria provided, single submitter. Criteria: Invitae Variant Classification Sherloc (09022015). Collection method: clinical testing. Allele origin: germline.
Comment: This sequence change replaces asparagine with lysine at codon 623 of the PNPLA6 protein (p.Asn623Lys). The asparagine residue is moderately conserved and there is a moderate physicochemical difference between asparagine and lysine. This variant is not present in population databases (ExAC no frequency). This variant has not been reported in the literature in individuals affected with PNPLA6-related conditions. Algorithms developed to predict the effect of missense changes on protein structure and function are either unavailable or do not agree on the potential impact of this missense change (SIFT: "Deleterious"; PolyPhen-2: "Benign"; Align-GVGD: "Class C0"). Algorithms developed to predict the effect of sequence changes on RNA splicing suggest that this variant may create or strengthen a splice site. In summary, the available evidence is currently insufficient to determine the role of this variant in disease. Therefore, it has been classified as a Variant of Uncertain Significance.